The following is an entry in ClinVar:

ClinVar aggregate classification (germline): Likely pathogenic (1 of 4 stars; one submission).

Conditions:
Glycogen storage disease, type II (IOPD). Also called: Pompe Disease; CARDIOMEGALIA GLYCOGENICA DIFFUSA; GLYCOGENOSIS, GENERALIZED, CARDIAC FORM; GSD II; POMPE DISEASE, INFANTILE-ONSET; GLYCOGEN STORAGE DISEASE II, INFANTILE-ONSET. Identifiers: Orphanet 365, MedGen C0017921, MONDO:0009290, OMIM 232300.

Submission:

Genomenon, Inc
Classification: Likely pathogenic for Glycogen storage disease, type II. Last evaluated: 2026-07-01. Review status: criteria provided, single submitter. Criteria: Genomenon Sequence Variant Interpretation Standards - Updated. Collection method: curation. Allele origin: germline. Affected: yes.
Comment: GAA p.Trp613Gly (c.1837T>G) is a missense variant that changes the amino acid at codon 613 from Tryptophan to Glycine. This variant has been observed in at least one proband with a GAA-related disorder in the compound heterozygous and/or homozygous state (PMID:27649523). The variant is located in a mutational hotspot and/or important functional domain. It is absent or not present at a significant frequency in gnomAD. In silico models predict that this variant is possibly or probably damaging. In conclusion, we classify GAA p.Trp613Gly (c.1837T>G) as a likely pathogenic variant.

Literature cited by the submitters: PubMed 27649523.

NM_000152.5(GAA):c.1837T>G (p.Trp613Gly)

Gene: GAA (alpha glucosidase; plus strand). Cytogenetic location: 17q25.3.
Variant type: single nucleotide variant.
Coding change: c.1837T>G on transcript NM_000152.5 (MANE Select); coding-DNA position 1837, T replaced by G.
Protein change: p.Trp613Gly; replaces tryptophan 613 with glycine.
Molecular consequence: missense variant.
Genome position (GRCh38, 1-based): chr17:80,112,660, T>G. VCF-style: chr17-80112660-T-G. GRCh37 (hg19) VCF-style: chr17-78086459-T-G.
Other names: c.1837T>G, p.Trp613Gly (NM_001079803.3, NM_001079804.3, NM_001406741.1 and 1 more transcripts); short protein forms W613G.
Identifiers: ClinVar variation 4876315 (VCV004876315.1).